The following is an entry in ClinVar:

NM_001195263.2(PDZD7):c.2272C>T (p.Arg758Ter)

Gene: PDZD7 (PDZ domain containing 7; minus strand). Cytogenetic location: 10q24.31.
Variant type: single nucleotide variant.
Coding change: c.2272C>T on transcript NM_001195263.2 (MANE Select); coding-DNA position 2272, C replaced by T.
Protein change: p.Arg758Ter; replaces arginine 758 with a stop codon.
Molecular consequence: nonsense.
Genome position (GRCh38, 1-based): chr10:101,010,617, G>A on the plus strand (C>T on the coding strand, the complement: PDZD7 is on the minus strand). VCF-style: chr10-101010617-G-A. GRCh37 (hg19) VCF-style: chr10-102770374-G-A.
Other names: short protein forms R758*.
Identifiers: ClinVar variation 1451155 (VCV001451155.6), dbSNP rs771079550, ClinGen allele CA212978734.

ClinVar aggregate classification (germline): Pathogenic (1 of 4 stars; one submission).

Allele frequency attached by ClinVar (database versions not stated): gnomAD 0.00001.
gnomAD v4.1: 25 of 1,503,088 alleles (0.0017%); highest among the groups gnomAD compares: Non-Finnish European, 0.0021%; no homozygotes.

Submission:

Labcorp Genetics (formerly Invitae), Labcorp
Classification: Pathogenic. Last evaluated: 2025-12-09. Review status: criteria provided, single submitter. Criteria: Invitae Variant Classification Sherloc (09022015). Collection method: clinical testing. Allele origin: germline.
Comment: This sequence change creates a premature translational stop signal (p.Arg758*) in the PDZD7 gene. It is expected to result in an absent or disrupted protein product. Loss-of-function variants in PDZD7 are known to be pathogenic (PMID: 20440071). This variant is present in population databases (no rsID available, gnomAD 0.008%). This variant has not been reported in the literature in individuals affected with PDZD7-related conditions. ClinVar contains an entry for this variant (Variation ID: 1451155). For these reasons, this variant has been classified as Pathogenic.

Literature cited by the submitters: PubMed 20440071.